The following is an entry in ClinVar:

ClinVar aggregate classification (germline): Pathogenic (1 of 4 stars; one submission).

Conditions:
Leigh syndrome (NULS). Also called: Subacute necrotizing encephalopathy; Necrotizing encephalopathy infantile subacute of Leigh; Leigh's necrotizing encephalopathy; Leigh's disease; Leigh Syndrome (mtDNA deletion); Leigh's syndrome. Identifiers: Orphanet 506, MedGen C2931891, MONDO:0009723, OMIM 256000.

Submission:

Labcorp Genetics (formerly Invitae), Labcorp
Classification: Pathogenic for Leigh syndrome. Last evaluated: 2022-10-27. Review status: criteria provided, single submitter. Criteria: Invitae Variant Classification Sherloc (09022015). Collection method: clinical testing. Allele origin: germline.
Comment: For these reasons, this variant has been classified as Pathogenic. This variant is also known as 37ins17. This premature translational stop signal has been observed in individual(s) with Leigh syndrome (PMID: 9837813). This variant is not present in population databases (gnomAD no frequency). This sequence change creates a premature translational stop signal (p.Ala13Cysfs*65) in the SURF1 gene. It is expected to result in an absent or disrupted protein product. Loss-of-function variants in SURF1 are known to be pathogenic (PMID: 10443880, 22488715, 24027061).

Literature cited by the submitters: PubMed 9837813; PubMed 10443880; PubMed 22488715; PubMed 24027061.

NM_003172.4(SURF1):c.19_35dup (p.Ala13fs)

Gene: SURF1 (SURF1 cytochrome c oxidase assembly factor; minus strand). Cytogenetic location: 9q34.2.
Variant type: Duplication.
Coding change: c.19_35dup on transcript NM_003172.4 (MANE Select); coding-DNA positions 19 to 35, 17 bases duplicated (TTGCAGCTGGGGCTGCG).
Protein change: p.Ala13fs; shifts the reading frame from alanine 13.
Molecular consequence: frameshift variant. On other transcripts: 5 prime UTR variant (1).
Genome position (GRCh38, 1-based): chr9:133,356,419-133,356,435, CGCAGCCCCAGCTGCAA duplicated on the plus strand (TTGCAGCTGGGGCTGCG on the coding strand, the reverse complement: SURF1 is on the minus strand); duplicating any 17 consecutive bases within chr9:133,356,419-133,356,442 gives the same sequence; the c. name uses the placement nearest the transcript's 3' end. VCF-style (leftmost placement, unchanged base first): chr9-133356418-C-CCGCAGCCCCAGCTGCAA. GRCh37 (hg19) VCF-style: chr9-136223294-C-CCGCAGCCCCAGCTGCAA.
Other names: c.-257_-241dup (NM_001280787.1); short protein forms A13fs.
Identifiers: ClinVar variation 2136830 (VCV002136830.6), dbSNP rs1836590086, ClinGen allele CA2580079969.